The following is an entry in ClinVar:

ClinVar aggregate classification (germline): Uncertain significance. Review status: criteria provided, multiple submitters, no conflicts (2 of 4 stars). 2 submissions from 2 submitters: Uncertain significance (2). Last evaluated 2025-12-13.

Conditions:
Inborn genetic diseases. Identifiers: MedGen C0950123, MeSH D030342.

Submissions (2):

GeneDx
Classification: Uncertain significance. Last evaluated: 2025-12-13. Review status: criteria provided, single submitter. Criteria: GeneDx Variant Classification Process June 2021. Collection method: clinical testing. Allele origin: germline.
Comment: Not observed at significant frequency in large population cohorts (gnomAD); In silico analysis supports that this missense variant has a deleterious effect on protein structure/function; Has not been previously published as pathogenic or benign to our knowledge

Ambry Genetics
Classification: Uncertain significance for Inborn genetic diseases. Last evaluated: 2021-05-24. Review status: criteria provided, single submitter. Criteria: Ambry Variant Classification Scheme 2023. Collection method: clinical testing. Allele origin: germline.

NM_005629.4(SLC6A8):c.1127A>C (p.Lys376Thr)

Gene: SLC6A8 (solute carrier family 6 member 8; plus strand). Cytogenetic location: Xq28.
Variant type: single nucleotide variant.
Coding change: c.1127A>C on transcript NM_005629.4 (MANE Select); coding-DNA position 1127, A replaced by C.
Protein change: p.Lys376Thr; replaces lysine 376 with threonine.
Molecular consequence: missense variant.
Genome position (GRCh38, 1-based): chrX:153,693,572, A>C. VCF-style: chrX-153693572-A-C. GRCh37 (hg19) VCF-style: chrX-152959027-A-C.
Other names: c.1097A>C, p.Lys366Thr (NM_001142805.2); c.782A>C, p.Lys261Thr (NM_001142806.1); short protein forms K366T, K376T, K261T.
Identifiers: ClinVar variation 2230715 (VCV002230715.4), dbSNP rs1557045159, ClinGen allele CA415085861.
Genomic context (GRCh38, chrX:153,693,572, plus strand): 5'-GCTTCGTGGTCTTCTCCATCCTGGGCTTCATGGCTGCAGAGCAGGGCGTGCACATCTCCA[A>C]GGTGGCAGAGTCAGGTAGGGCCCTACCCCCAGCCCCGCCTCCAGAGCAGCGAGTGCTACC-3'
Protein context (NP_005620.1, residues 366-386): MAAEQGVHIS[Lys376Thr]VAESGPGLAF